The following is an entry in ClinVar:

ClinVar aggregate classification (germline): Uncertain significance (1 of 4 stars; one submission).

gnomAD v4.1: 8 of 1,613,440 alleles (0.0005%); highest among the groups gnomAD compares: South Asian, 0.0011%; no homozygotes.

Submission:

Ambry Genetics
Classification: Uncertain significance. Last evaluated: 2024-08-28. Review status: criteria provided, single submitter. Criteria: Ambry Variant Classification Scheme 2023. Collection method: clinical testing. Allele origin: germline.
Comment: The c.1741C>T (p.H581Y) alteration is located in exon (coding exon ) of the SH3RF3 gene. This alteration results from a C to T substitution at nucleotide position 1741, causing the histidine (H) at amino acid position 581 to be replaced by a tyrosine (Y). Based on insufficient or conflicting evidence, the clinical significance of this alteration remains unclear.

NM_001099289.3(SH3RF3):c.1741C>T (p.His581Tyr)

Genes: RANBP2 (RAN binding protein 2; plus strand), SH3RF3 (SH3 domain containing ring finger 3; plus strand). Cytogenetic location: 2q13.
Variant type: single nucleotide variant.
Coding change: c.1741C>T on transcript NM_001099289.3 (MANE Select); coding-DNA position 1741, C replaced by T.
Protein change: p.His581Tyr; replaces histidine 581 with tyrosine.
Molecular consequence: missense variant.
Genome position (GRCh38, 1-based): chr2:109,437,059, C>T. VCF-style: chr2-109437059-C-T. GRCh37 (hg19) VCF-style: chr2-110053515-C-T.
Other names: short protein forms H581Y.
Identifiers: ClinVar variation 3441122 (VCV003441122.1).